The following is an entry in ClinVar:

ClinVar aggregate classification (germline): Uncertain significance. Review status: criteria provided, multiple submitters, no conflicts (2 of 4 stars). 2 submissions from 2 submitters: Uncertain significance (2). Last evaluated 2025-11-04.

Conditions:
Primary dilated cardiomyopathy (DCM). Also called: Dilated Cardiomyopathy. Identifiers: Orphanet 217604, MedGen C0007193, MeSH D002311, MONDO:0005021, HP:0001644. Inheritance: Various modes of inheritance.
Charcot-Marie-Tooth disease type 2. Also called: Charcot-Marie-Tooth type 2. Identifiers: Orphanet 64746, MedGen C0270914, MONDO:0018993.

Allele frequency attached by ClinVar (database versions not stated): gnomAD exomes 0.00001.
gnomAD v4.1: 15 of 1,554,616 alleles (0.00096%); highest among the groups gnomAD compares: Non-Finnish European, 0.0013%; no homozygotes.

Submissions (2):

Labcorp Genetics (formerly Invitae), Labcorp
Classification: Uncertain significance for Charcot-Marie-Tooth disease type 2. Last evaluated: 2025-11-04. Review status: criteria provided, single submitter. Criteria: Invitae Variant Classification Sherloc (09022015). Collection method: clinical testing. Allele origin: germline.
Comment: This sequence change replaces lysine, which is basic and polar, with arginine, which is basic and polar, at codon 542 of the LMNA protein (p.Lys542Arg). The frequency data for this variant in the population databases is considered unreliable, as metrics indicate poor data quality at this position in the gnomAD database. This variant has not been reported in the literature in individuals affected with LMNA-related conditions. ClinVar contains an entry for this variant (Variation ID: 2963675). Invitae Evidence Modeling of protein sequence and biophysical properties (such as structural, functional, and spatial information, amino acid conservation, physicochemical variation, residue mobility, and thermodynamic stability) indicates that this missense variant is expected to disrupt LMNA protein function with a positive predictive value of 95%. This variant disrupts the p.Lys542 amino acid residue in LMNA. Other variant(s) that disrupt this residue have been determined to be pathogenic (PMID: 15286156). This suggests that this residue is clinically significant, and that variants that disrupt this residue are likely to be disease-causing. In summary, the available evidence is currently insufficient to determine the role of this variant in disease. Therefore, it has been classified as a Variant of Uncertain Significance.

All of Us Research Program, National Institutes of Health
Classification: Uncertain significance for Primary dilated cardiomyopathy. Last evaluated: 2023-05-30. Review status: criteria provided, single submitter. Criteria: ACMG Guidelines, 2015. Collection method: clinical testing. Allele origin: germline. Inheritance: Autosomal dominant inheritance. Observed: 1 variant allele, 1 heterozygote.
Comment: This missense variant replaces lysine with arginine at codon 542 of the LMNA protein. Computational prediction is inconclusive regarding the impact of this variant on protein structure and function (internally defined REVEL score threshold 0.5 < inconclusive < 0.7, PMID: 27666373). To our knowledge, functional studies have not been reported for this variant. This variant has not been reported in individuals affected with LMNA-related disorders in the literature. This variant has been identified in 1/161272 chromosomes in the general population by the Genome Aggregation Database (gnomAD). The available evidence is insufficient to determine the role of this variant in disease conclusively. Therefore, this variant is classified as a Variant of Uncertain Significance.

This study involves interpretation of variants in research participants for the purpose of population health screening. Participant phenotype was not available at the time of variant classification. Additional details can be found in publication PMID: 35346344, PMCID: PMC8962531

Literature cited by the submitters: PubMed 15286156 (cited by Labcorp Genetics (formerly Invitae), Labcorp).

NM_170707.4(LMNA):c.1625A>G (p.Lys542Arg)

Gene: LMNA (lamin A/C; plus strand). Cytogenetic location: 1q22.
Variant type: single nucleotide variant.
Coding change: c.1625A>G on transcript NM_170707.4 (MANE Select); coding-DNA position 1625, A replaced by G.
Protein change: p.Lys542Arg; replaces lysine 542 with arginine.
Molecular consequence: missense variant. On other transcripts: intron variant (1).
Genome position (GRCh38, 1-based): chr1:156,137,670, A>G. VCF-style: chr1-156137670-A-G. GRCh37 (hg19) VCF-style: chr1-156107461-A-G.
Other names: c.1289A>G, p.Lys430Arg (NM_001257374.3, NM_001406989.1, NM_001406998.1); c.1382A>G, p.Lys461Arg (NM_001282624.2, NM_001406986.1, NM_001406987.1); c.1625A>G, p.Lys542Arg (NM_001282625.2, NM_001282626.2, NM_001406983.1 and 5 more transcripts); c.1328A>G, p.Lys443Arg (NM_001406988.1); c.1067A>G, p.Lys356Arg (NM_001406990.1, NM_001406993.1, NM_001406995.1 and 4 more transcripts); c.1001A>G, p.Lys334Arg (NM_001406994.1, NM_001406999.1, NM_001407000.1 and 1 more transcripts); c.1608+438A>G (NM_170708.4); short protein forms K430R, K461R, K334R, K356R, K443R, K542R.
Identifiers: ClinVar variation 2963675 (VCV002963675.4), dbSNP rs1229918440, ClinGen allele CA342825389.